The following is an entry in ClinVar:

NM_014384.3(ACAD8):c.*168G>A

Gene: ACAD8 (acyl-CoA dehydrogenase family member 8; plus strand). Cytogenetic location: 11q25.
Variant type: single nucleotide variant.
Coding change: c.*168G>A on transcript NM_014384.3 (MANE Select); 168 bases downstream of the stop codon, G replaced by A.
Molecular consequence: 3 prime UTR variant.
Genome position (GRCh38, 1-based): chr11:134,265,128, G>A. VCF-style: chr11-134265128-G-A. GRCh37 (hg19) VCF-style: chr11-134135022-G-A.
Identifiers: ClinVar variation 303687 (VCV000303687.5), dbSNP rs144390733, ClinGen allele CA10630445.

ClinVar aggregate classification (germline): Benign (1 of 4 stars; one submission).

Conditions:
Deficiency of isobutyryl-CoA dehydrogenase. Also called: ACYL-CoA DEHYDROGENASE FAMILY, MEMBER 8, DEFICIENCY OF; IBD DEFICIENCY; ACAD8 DEFICIENCY. Identifiers: Orphanet 79159, MedGen C1969809, MONDO:0012648, OMIM 611283.

Allele frequency attached by ClinVar (database versions not stated): gnomAD exomes 0.00073; gnomAD 0.00596 and 0.00658; 1000 Genomes Project 0.00659; TOPMed 0.00677; 1000 Genomes Project 30x 0.00718.

Submission:

Illumina Laboratory Services, Illumina
Classification: Benign for Deficiency of isobutyryl-CoA dehydrogenase. Last evaluated: 2018-01-13. Review status: criteria provided, single submitter. Criteria: ICSL Variant Classification Criteria 13 December 2019. Collection method: clinical testing. Allele origin: germline.
Comment: This variant was observed in the ICSL laboratory as part of a predisposition screen in an ostensibly healthy population. It had not been previously curated by ICSL or reported in the Human Gene Mutation Database (HGMD: prior to June 1st, 2018), and was therefore a candidate for classification through an automated scoring system. Utilizing variant allele frequency, disease prevalence and penetrance estimates, and inheritance mode, an automated score was calculated to assess if this variant is too frequent to cause the disease. Based on the score and internal cut-off values, a variant classified as benign is not then subjected to further curation. The score for this variant resulted in a classification of benign for this disease.